The following is an entry in ClinVar:

ClinVar aggregate classification (germline): Uncertain significance. Review status: criteria provided, multiple submitters, no conflicts (2 of 4 stars). 2 submissions from 2 submitters: Uncertain significance (2). Last evaluated 2022-07-12.

Allele frequency attached by ClinVar (database versions not stated): gnomAD exomes below 0.00001; TOPMed below 0.00001.
gnomAD v4.1: 1 of 1,613,748 alleles (0.000062%); highest among the groups gnomAD compares: South Asian, 0.0011%; no homozygotes.

Submissions (2):

Labcorp Genetics (formerly Invitae), Labcorp
Classification: Uncertain significance. Last evaluated: 2022-07-12. Review status: criteria provided, single submitter. Criteria: Invitae Variant Classification Sherloc (09022015). Collection method: clinical testing. Allele origin: germline.
Comment: This sequence change replaces isoleucine, which is neutral and non-polar, with threonine, which is neutral and polar, at codon 582 of the MME protein (p.Ile582Thr). This variant is not present in population databases (gnomAD no frequency). This variant has not been reported in the literature in individuals affected with MME-related conditions. ClinVar contains an entry for this variant (Variation ID: 1013233). Algorithms developed to predict the effect of missense changes on protein structure and function are either unavailable or do not agree on the potential impact of this missense change (SIFT: "Deleterious"; PolyPhen-2: "Probably Damaging"; Align-GVGD: "Class C0"). In summary, the available evidence is currently insufficient to determine the role of this variant in disease. Therefore, it has been classified as a Variant of Uncertain Significance.

CeGaT Center for Human Genetics Tuebingen
Classification: Uncertain significance. Last evaluated: 2020-11-01. Review status: criteria provided, single submitter. Criteria: CeGaT Center For Human Genetics Tuebingen Variant Classification Criteria Version 2. Collection method: clinical testing. Allele origin: germline. Affected: yes. Observed: 1 variant allele.

NM_007289.4(MME):c.1745T>C (p.Ile582Thr)

Gene: MME (membrane metalloendopeptidase; plus strand). Cytogenetic location: 3q25.2.
Variant type: single nucleotide variant.
Coding change: c.1745T>C on transcript NM_007289.4 (MANE Select); coding-DNA position 1745, T replaced by C.
Protein change: p.Ile582Thr; replaces isoleucine 582 with threonine.
Molecular consequence: missense variant.
Genome position (GRCh38, 1-based): chr3:155,166,986, T>C. VCF-style: chr3-155166986-T-C. GRCh37 (hg19) VCF-style: chr3-154884775-T-C.
Other names: c.1745T>C, p.Ile582Thr (NM_000902.5, NM_001354642.2, NM_001354643.1 and 2 more transcripts); short protein forms I582T.
Identifiers: ClinVar variation 1013233 (VCV001013233.44), dbSNP rs1723146996, ClinGen allele CA355218271.